The following is an entry in ClinVar:

NM_000518.5(HBB):c.9T>C (p.His3=)

Genes: HBB (hemoglobin subunit beta; minus strand), LOC107133510 (origin of replication at HBB; plus strand), LOC106099062 (HBB recombination region; plus strand). Cytogenetic location: 11p15.4.
Variant type: single nucleotide variant.
Coding change: c.9T>C on transcript NM_000518.5 (MANE Select); coding-DNA position 9, T replaced by C.
Protein change: p.His3=; no amino-acid change (histidine 3 retained).
Molecular consequence: synonymous variant.
Genome position (GRCh38, 1-based): chr11:5,227,013, A>G on the plus strand (T>C on the coding strand, the complement: HBB is on the minus strand). VCF-style: chr11-5227013-A-G. GRCh37 (hg19) VCF-style: chr11-5248243-A-G.
Other names: CD 2 CAT>CAC [His>His].
Identifiers: ClinVar variation 193106 (VCV000193106.49), dbSNP rs713040, ClinGen allele CA200319.

ClinVar aggregate classification (germline): Benign. Review status: criteria provided, multiple submitters, no conflicts (2 of 4 stars). 20 submissions from 17 submitters: Benign (15). 5 of the submissions do not count toward it. Last evaluated 2026-02-04.

Conditions:
Hemoglobin E. Identifiers: MedGen C3889325.
Hb SS disease (SCD). Also called: Hemoglobin SS; Sickle cell anemia; Sickle cell disease; HbS disease; Hemoglobin S Disease; Sickling disorder due to hemoglobin S. Identifiers: Orphanet 232, Orphanet 275752, MedGen C0002895, MONDO:0011382, OMIM 603903.
beta Thalassemia (BTHAL). Also called: Cooley's anemia; Erythroblastic anemia; Mediterranean anemia. Identifiers: Orphanet 848, MedGen C0005283, MONDO:0019402. Disease mechanism: loss of function.
Heinz body anemia. Also called: Heinz body hemolytic anemia. Identifiers: Orphanet 178330, MedGen C0700299, MONDO:0007705, OMIM 140700, HP:0005511.
alpha Thalassemia. Also called: Alpha thalassemia spectrum. Identifiers: Orphanet 846, MedGen C0002312, MONDO:0011399, OMIM 604131.
Hereditary persistence of fetal hemoglobin. Identifiers: MedGen C0019025, MONDO:0020989, OMIM 141749.
Beta-thalassemia HBB/LCRB. Identifiers: MedGen CN322236, MONDO:0013517, OMIM 613985.
Dominant beta-thalassemia. Also called: Beta-thalassemia, dominant inclusion body type. Identifiers: Orphanet 231226, Orphanet 848, MedGen C1858990, MONDO:0011381, OMIM 603902.
METHEMOGLOBINEMIA, BETA TYPE. Also called: Methemoglobinemia, beta-globin type. Identifiers: MedGen C1840779, OMIM 617971.
Malaria, susceptibility to. Identifiers: Orphanet 673, MedGen C1970028, MONDO:0021024, OMIM 611162.
Erythrocytosis, familial, 6. Also called: ERYTHROCYTOSIS, BETA-GLOBIN TYPE; POLYCYTHEMIA, BETA-GLOBIN TYPE. Identifiers: MedGen C4693822, MONDO:0054801, OMIM 617980.
Fetal hemoglobin quantitative trait locus 1 (HBFQTL1). Identifiers: Orphanet 251380, MedGen C1841621.
Inborn genetic diseases. Identifiers: MedGen C0950123, MeSH D030342.

Allele frequency attached by ClinVar (database versions not stated): 1000 Genomes Project 30x 0.71721; 1000 Genomes Project 0.71426; gnomAD 0.81521 and 0.82706; TOPMed 0.82021.

Submissions (20):

Labcorp Genetics (formerly Invitae), Labcorp
Classification: Benign. Last evaluated: 2026-02-04. Review status: criteria provided, single submitter. Criteria: Invitae Variant Classification Sherloc (09022015). Collection method: clinical testing. Allele origin: germline.

ARUP Laboratories, Molecular Genetics and Genomics, ARUP Laboratories
Classification: Benign. Last evaluated: 2025-07-31. Review status: criteria provided, single submitter. Criteria: ARUP Molecular Germline Variant Investigation Process 2024. Collection method: clinical testing. Allele origin: germline.

Blueprint Genetics
Classification: Benign. Last evaluated: 2024-11-27. Review status: criteria provided, single submitter. Criteria: ACMG Guidelines, 2015. Collection method: clinical testing. Allele origin: germline.

Genetics Laboratory, Al-Manara University for Medical Sciences
Classification: Benign for beta Thalassemia. Last evaluated: 2024-05-24. Review status: criteria provided, single submitter. Criteria: ACMG Guidelines, 2015. Collection method: research. Allele origin: germline.
Comment: The HBB:c.9T>C synonymous variant in the HBB gene (NM_000518.5), located in the exon 1, has been reported in ClinVar (SCV000224233.6, SCV000304635.1, SCV000372531.3, SCV000372532.3, SCV000372533.3, SCV000864062.2 and more). This variant meets criteria to be classified as benign for beta thalassemia according into ACMG/AMP Criteria applied: BA1_Stand Alone, BP6_Very Strong, BP4_Moderate, BP7_Supporting.

Fulgent Genetics
Classification: Benign for Heinz body anemia; Hereditary persistence of fetal hemoglobin; Dominant beta-thalassemia; Hb SS disease; alpha Thalassemia; Malaria, susceptibility to; Beta-thalassemia HBB/LCRB; METHEMOGLOBINEMIA, BETA TYPE; Erythrocytosis, familial, 6. Last evaluated: 2021-08-11. Review status: criteria provided, single submitter. Criteria: ACMG Guidelines, 2015. Collection method: clinical testing. Allele origin: unknown.

Genome-Nilou Lab
Classification: Benign for Beta-thalassemia HBB/LCRB. Last evaluated: 2021-07-01. Review status: criteria provided, single submitter. Criteria: ACMG Guidelines, 2015. Collection method: clinical testing. Allele origin: germline. Affected: no.

Illumina Laboratory Services, Illumina
Classification: Benign for Hereditary persistence of fetal hemoglobin. Last evaluated: 2018-01-13. Review status: criteria provided, single submitter. Criteria: ICSL Variant Classification Criteria 13 December 2019. Collection method: clinical testing. Allele origin: germline.
Comment: This variant was observed in the ICSL laboratory as part of a predisposition screen in an ostensibly healthy population. It had not been previously curated by ICSL or reported in the Human Gene Mutation Database (HGMD: prior to June 1st, 2018), and was therefore a candidate for classification through an automated scoring system. Utilizing variant allele frequency, disease prevalence and penetrance estimates, and inheritance mode, an automated score was calculated to assess if this variant is too frequent to cause the disease. Based on the score and internal cut-off values, a variant classified as benign is not then subjected to further curation. The score for this variant resulted in a classification of benign for this disease.

Illumina Laboratory Services, Illumina
Classification: Benign for Beta-thalassemia HBB/LCRB. Last evaluated: 2018-01-13. Review status: criteria provided, single submitter. Criteria: ICSL Variant Classification Criteria 13 December 2019. Collection method: clinical testing. Allele origin: germline.
Comment: the same text as in the submission from Illumina Laboratory Services, Illumina above.

Illumina Laboratory Services, Illumina
Classification: Benign for Hb SS disease. Last evaluated: 2018-01-13. Review status: criteria provided, single submitter. Criteria: ICSL Variant Classification Criteria 13 December 2019. Collection method: clinical testing. Allele origin: germline.
Comment: the same text as in the submission from Illumina Laboratory Services, Illumina above.

Illumina Laboratory Services, Illumina
Classification: Benign for Hemoglobin E. Last evaluated: 2018-01-13. Review status: criteria provided, single submitter. Criteria: ICSL Variant Classification Criteria 13 December 2019. Collection method: clinical testing. Allele origin: germline.
Comment: the same text as in the submission from Illumina Laboratory Services, Illumina above.

Ambry Genetics
Classification: Benign for Inborn genetic diseases. Last evaluated: 2016-09-02. Review status: criteria provided, single submitter. Criteria: Ambry Variant Classification Scheme 2023. Collection method: clinical testing. Allele origin: germline.

GeneDx
Classification: Benign. Last evaluated: 2015-03-03. Review status: criteria provided, single submitter. Criteria: GeneDx Variant Classification Process June 2021. Collection method: clinical testing. Allele origin: germline. Affected: yes.

Eurofins Ntd Llc (ga)
Classification: Benign. Last evaluated: 2014-09-24. Review status: criteria provided, single submitter. Criteria: EGL Classification Definitions 2015. Collection method: clinical testing. Allele origin: germline.

Breakthrough Genomics
Classification: Benign. Review status: criteria provided, single submitter. Criteria: ACMG Guidelines, 2015. Collection method: not provided. Allele origin: germline. Inheritance: Autosomal recessive inheritance. Affected: yes.

PreventionGenetics, part of Exact Sciences
Classification: Benign. Review status: criteria provided, single submitter. Criteria: ACMG Guidelines, 2015. Collection method: clinical testing. Allele origin: germline.

The ITHANET community portal, The Cyprus Institute of Neurology and Genetics
Classification: Benign for beta Thalassemia. Last evaluated: 2019-11-25. Review status: no assertion criteria provided. Collection method: curation. Allele origin: germline. Not counted in ClinVar's aggregate classification.

College of Science, Al Muthanna University, Al Muthanna University
Classification: Benign for beta Thalassemia. Last evaluated: 2018-01-01. Review status: no assertion criteria provided. Collection method: research. Allele origin: germline. Not counted in ClinVar's aggregate classification.

Natera, Inc.
Classification: Benign for Beta thalassemia. Last evaluated: 2017-03-29. Review status: no assertion criteria provided. Collection method: clinical testing. Allele origin: germline. Not counted in ClinVar's aggregate classification.

Diagnostic Laboratory, Department of Genetics, University Medical Center Groningen
Classification: Benign. Review status: no assertion criteria provided. Collection method: clinical testing. Allele origin: germline. Affected: yes. Study: VKGL Data-share Consensus. Not counted in ClinVar's aggregate classification.

Genome Diagnostics Laboratory, University Medical Center Utrecht
Classification: Benign. Review status: no assertion criteria provided. Collection method: clinical testing. Allele origin: germline. Affected: yes. Study: VKGL Data-share Consensus. Not counted in ClinVar's aggregate classification.

Literature cited by the submitters: PubMed 31714438 (cited by Genetics Laboratory, Al-Manara University for Medical Sciences and College of Science, Al Muthanna University, Al Muthanna University); PubMed 24099628 (cited by Genetics Laboratory, Al-Manara University for Medical Sciences and The ITHANET community portal, The Cyprus Institute of Neurology and Genetics).